The following is an entry in ClinVar:

ClinVar aggregate classification (germline): Conflicting classifications of pathogenicity. Review status: criteria provided, conflicting classifications (1 of 4 stars). 2 submissions from 2 submitters: Uncertain significance (1); Likely benign (1). Last evaluated 2024-11-05.

Allele frequency attached by ClinVar (database versions not stated): ExAC 0.00001; gnomAD 0.00002 and 0.00003; gnomAD exomes 0.00002 and 0.00003; TOPMed 0.00002.
gnomAD v4.1: 52 of 1,613,998 alleles (0.0032%); highest among the groups gnomAD compares: Non-Finnish European, 0.0039%; no homozygotes.

Submissions (2):

Labcorp Genetics (formerly Invitae), Labcorp
Classification: Uncertain significance. Last evaluated: 2024-11-05. Review status: criteria provided, single submitter. Criteria: Invitae Variant Classification Sherloc (09022015). Collection method: clinical testing. Allele origin: germline.
Comment: This sequence change replaces arginine, which is basic and polar, with glutamine, which is neutral and polar, at codon 209 of the RDH5 protein (p.Arg209Gln). This variant is present in population databases (rs767507240, gnomAD 0.002%). This variant has not been reported in the literature in individuals affected with RDH5-related conditions. ClinVar contains an entry for this variant (Variation ID: 1518616). An algorithm developed to predict the effect of missense changes on protein structure and function outputs the following: PolyPhen-2: "Benign". The glutamine amino acid residue is found in multiple mammalian species, which suggests that this missense change does not adversely affect protein function. In summary, the available evidence is currently insufficient to determine the role of this variant in disease. Therefore, it has been classified as a Variant of Uncertain Significance.

Blueprint Genetics
Classification: Likely benign. Last evaluated: 2022-10-26. Review status: criteria provided, single submitter. Criteria: ACMG Guidelines, 2015. Collection method: clinical testing. Allele origin: germline.

NM_002905.5(RDH5):c.626G>A (p.Arg209Gln)

Genes: BLOC1S1-RDH5 (BLOC1S1-RDH5 readthrough; plus strand), CD63 (CD63 molecule; minus strand), RDH5 (retinol dehydrogenase 5; plus strand). Cytogenetic location: 12q13.2.
Variant type: single nucleotide variant.
Coding change: c.626G>A on transcript NM_002905.5 (MANE Select); coding-DNA position 626, G replaced by A.
Protein change: p.Arg209Gln; replaces arginine 209 with glutamine.
Molecular consequence: missense variant. On other transcripts: non-coding transcript variant (1).
Genome position (GRCh38, 1-based): chr12:55,723,942, G>A. VCF-style: chr12-55723942-G-A. GRCh37 (hg19) VCF-style: chr12-56117726-G-A.
Other names: c.626G>A, p.Arg209Gln (NM_001199771.3); short protein forms R209Q.
Identifiers: ClinVar variation 1518616 (VCV001518616.8), dbSNP rs767507240, ClinGen allele CA6616899.